The following is an entry in ClinVar:

ClinVar aggregate classification (germline): Pathogenic (1 of 4 stars; one submission).

Submission:

Labcorp Genetics (formerly Invitae), Labcorp
Classification: Pathogenic. Last evaluated: 2025-05-18. Review status: criteria provided, single submitter. Criteria: Invitae Variant Classification Sherloc (09022015). Collection method: clinical testing. Allele origin: germline.
Comment: This sequence change creates a premature translational stop signal (p.Cys110*) in the IARS2 gene. It is expected to result in an absent or disrupted protein product. Loss-of-function variants in IARS2 are known to be pathogenic (PMID: 33327715). This variant is not present in population databases (gnomAD no frequency). This variant has not been reported in the literature in individuals affected with IARS2-related conditions. For these reasons, this variant has been classified as Pathogenic.

Literature cited by the submitters: PubMed 33327715.

NM_018060.4(IARS2):c.330C>A (p.Cys110Ter)

Gene: IARS2 (isoleucyl-tRNA synthetase 2, mitochondrial; plus strand). Cytogenetic location: 1q41.
Variant type: single nucleotide variant.
Coding change: c.330C>A on transcript NM_018060.4 (MANE Select); coding-DNA position 330, C replaced by A.
Protein change: p.Cys110Ter; replaces cysteine 110 with a stop codon.
Molecular consequence: nonsense.
Genome position (GRCh38, 1-based): chr1:220,096,166, C>A. VCF-style: chr1-220096166-C-A. GRCh37 (hg19) VCF-style: chr1-220269508-C-A.
Other names: short protein forms C110*.
Identifiers: ClinVar variation 4719770 (VCV004719770.1).
Genomic context (GRCh38, chr1:220,096,166, plus strand): 5'-ATGTGGATTTTCAGAACTTTATTCATGGCAAAGAGAAAGAAAAGTAAAGACAGAATTTTG[C>A]CTTCATGATGGACCTCCTTATGCAAACGGTGACCCTCATGTTGGACATGCTTTAAATAAG-3'